The following is an entry in ClinVar:

NM_002880.4(RAF1):c.1823T>C (p.Leu608Pro)

Gene: RAF1 (Raf-1 proto-oncogene, serine/threonine kinase; minus strand). Cytogenetic location: 3p25.2.
Variant type: single nucleotide variant.
Coding change: c.1823T>C on transcript NM_002880.4 (MANE Select); coding-DNA position 1823, T replaced by C.
Protein change: p.Leu608Pro; replaces leucine 608 with proline.
Molecular consequence: missense variant. On other transcripts: non-coding transcript variant (3).
Genome position (GRCh38, 1-based): chr3:12,584,638, A>G on the plus strand (T>C on the coding strand, the complement: RAF1 is on the minus strand). VCF-style: chr3-12584638-A-G. GRCh37 (hg19) VCF-style: chr3-12626137-A-G.
Other names: c.1883T>C, p.Leu628Pro (NM_001354689.3); c.1823T>C, p.Leu608Pro (NM_001354690.3); c.1580T>C, p.Leu527Pro (NM_001354691.3, NM_001354692.3); c.1724T>C, p.Leu575Pro (NM_001354693.3); c.1640T>C, p.Leu547Pro (NM_001354694.3); c.1481T>C, p.Leu494Pro (NM_001354695.3); short protein forms L608P, L527P, L547P, L575P, L494P, L628P.
Identifiers: ClinVar variation 5027855 (VCV005027855.1).

ClinVar aggregate classification (germline): Uncertain significance (1 of 4 stars; one submission).

Conditions:
Cardiovascular phenotype. Identifiers: MedGen CN230736.

Submission:

Ambry Genetics
Classification: Uncertain significance for Cardiovascular phenotype. Last evaluated: 2026-07-21. Review status: criteria provided, single submitter. Criteria: Ambry Variant Classification Scheme 2023. Collection method: clinical testing. Allele origin: germline.
Comment: The p.L608P variant (also known as c.1823T>C), located in coding exon 16 of the RAF1 gene, results from a T to C substitution at nucleotide position 1823. The leucine at codon 608 is replaced by proline, an amino acid with similar properties. This amino acid position is conserved. In addition, this alteration is predicted to be deleterious by in silico analysis. Based on the available evidence, the clinical significance of this variant remains unclear.